The following is an entry in ClinVar:

ClinVar aggregate classification (germline): Uncertain significance (1 of 4 stars; one submission).

Conditions:
Haim-Munk syndrome (HMS). Also called: COCHIN JEWISH DISORDER; KERATOSIS PALMOPLANTARIS WITH PERIODONTOPATHIA AND ONYCHOGRYPOSIS. Identifiers: Orphanet 2342, MedGen C1855627, MONDO:0009491, OMIM 245010.
Papillon-Lefèvre syndrome (PALS). Also called: Papillon-Lefevre Disease; KERATOSIS PALMOPLANTARIS WITH PERIODONTOPATHIA. Identifiers: Orphanet 678, MedGen C0030360, MONDO:0009490, OMIM 245000.
Periodontitis, aggressive. Identifiers: MedGen C0031106, MONDO:0980757.

Allele frequency attached by ClinVar (database versions not stated): TOPMed 0.00002; ExAC 0.00004.
gnomAD v4.1: 12 of 1,584,438 alleles (0.00076%); highest among the groups gnomAD compares: African/African-American, 0.0081%; no homozygotes.

Submission:

Labcorp Genetics (formerly Invitae), Labcorp
Classification: Uncertain significance for Haim-Munk syndrome; Periodontitis, aggressive; Papillon-Lefèvre syndrome. Last evaluated: 2022-03-01. Review status: criteria provided, single submitter. Criteria: Invitae Variant Classification Sherloc (09022015). Collection method: clinical testing. Allele origin: germline.
Comment: This sequence change replaces leucine, which is neutral and non-polar, with methionine, which is neutral and non-polar, at codon 13 of the CTSC protein (p.Leu13Met). The frequency data for this variant in the population databases is considered unreliable, as metrics indicate poor data quality at this position in the gnomAD database. This variant has not been reported in the literature in individuals affected with CTSC-related conditions. ClinVar contains an entry for this variant (Variation ID: 659313). Algorithms developed to predict the effect of missense changes on protein structure and function are either unavailable or do not agree on the potential impact of this missense change (SIFT: "Not Available"; PolyPhen-2: "Probably Damaging"; Align-GVGD: "Not Available"). In summary, the available evidence is currently insufficient to determine the role of this variant in disease. Therefore, it has been classified as a Variant of Uncertain Significance.

NM_001814.6(CTSC):c.37C>A (p.Leu13Met)

Genes: CTSC (cathepsin C; minus strand), LOC130006572 (ATAC-STARR-seq lymphoblastoid active region 5382; plus strand). Cytogenetic location: 11q14.2.
Variant type: single nucleotide variant.
Coding change: c.37C>A on transcript NM_001814.6 (MANE Select); coding-DNA position 37, C replaced by A.
Protein change: p.Leu13Met; replaces leucine 13 with methionine.
Molecular consequence: missense variant.
Genome position (GRCh38, 1-based): chr11:88,337,636, G>T on the plus strand (C>A on the coding strand, the complement: CTSC is on the minus strand). VCF-style: chr11-88337636-G-T. GRCh37 (hg19) VCF-style: chr11-88070804-G-T.
Other names: c.37C>A, p.Leu13Met (NM_001114173.3, NM_148170.5); short protein forms L13M.
Identifiers: ClinVar variation 659313 (VCV000659313.6), dbSNP rs759984277, ClinGen allele CA6220153.